The following is an entry in ClinVar:

ClinVar aggregate classification (germline): Pathogenic. Review status: criteria provided, multiple submitters, no conflicts (2 of 4 stars). 2 submissions from 2 submitters: Pathogenic (2). Last evaluated 2025-06-13.

Conditions:
Inborn genetic diseases. Identifiers: MedGen C0950123, MeSH D030342.

Submissions (2):

Ambry Genetics
Classification: Pathogenic for Inborn genetic diseases. Last evaluated: 2025-06-13. Review status: criteria provided, single submitter. Criteria: Ambry Variant Classification Scheme 2023. Collection method: clinical testing. Allele origin: germline.
Comment: The c.415A>T (p.K139*) alteration, located in exon 4 (coding exon 4) of the REN gene, consists of an A to T substitution at nucleotide position 415. This changes the amino acid from a lysine (K) to a stop codon at amino acid position 139. This alteration is expected to result in loss of function by premature protein truncation or nonsense-mediated mRNA decay. for autosomal recessive REN-related renal tubular dysgenesis; however, its clinical significance for autosomal dominant REN-related tubulointerstitial kidney disease is uncertain. Based on data from gnomAD, the T allele has an overall frequency of 0.001% (4/282886) total alleles studied. The highest observed frequency was 0.015% (3/19954) of East Asian alleles. Based on the available evidence, this alteration is classified as pathogenic.

Labcorp Genetics (formerly Invitae), Labcorp
Classification: Pathogenic. Last evaluated: 2025-02-13. Review status: criteria provided, single submitter. Criteria: Invitae Variant Classification Sherloc (09022015). Collection method: clinical testing. Allele origin: germline.
Comment: This sequence change creates a premature translational stop signal (p.Lys139*) in the REN gene. It is expected to result in an absent or disrupted protein product. Loss-of-function variants in REN are known to be pathogenic (PMID: 16116425, 22095942, 27994858). This variant is present in population databases (rs764873149, gnomAD 0.02%). This variant has not been reported in the literature in individuals affected with REN-related conditions. For these reasons, this variant has been classified as Pathogenic.

Literature cited by the submitters: PubMed 16116425 (cited by Labcorp Genetics (formerly Invitae), Labcorp); PubMed 22095942 (cited by Labcorp Genetics (formerly Invitae), Labcorp); PubMed 27994858 (cited by Labcorp Genetics (formerly Invitae), Labcorp).

NM_000537.4(REN):c.415A>T (p.Lys139Ter)

Gene: REN (renin; minus strand). Cytogenetic location: 1q32.1.
Variant type: single nucleotide variant.
Coding change: c.415A>T on transcript NM_000537.4 (MANE Select); coding-DNA position 415, A replaced by T.
Protein change: p.Lys139Ter; replaces lysine 139 with a stop codon.
Molecular consequence: nonsense.
Genome position (GRCh38, 1-based): chr1:204,160,637, T>A on the plus strand (A>T on the coding strand, the complement: REN is on the minus strand). VCF-style: chr1-204160637-T-A. GRCh37 (hg19) VCF-style: chr1-204129765-T-A.
Other names: c.415A>T (NM_000537.3); short protein forms K139*.
Identifiers: ClinVar variation 3696631 (VCV003696631.3).